The following is an entry in ClinVar:

ClinVar aggregate classification (germline): Benign. Review status: criteria provided, single submitter (1 of 4 stars). 2 submissions from 2 submitters: Benign (1). 1 of the submissions does not count toward it. Last evaluated 2019-12-31.

Conditions:
LIMK1-related disorder. Also called: LIMK1-related condition.

Allele frequency attached by ClinVar (database versions not stated): TOPMed 0.00056; ExAC 0.00084; gnomAD exomes 0.00084 and 0.00023; 1000 Genomes Project 30x 0.00203; 1000 Genomes Project 0.00220; gnomAD 0.00028 and 0.00042.
gnomAD v4.1: 415 of 1,613,596 alleles (0.026%); highest among the groups gnomAD compares: East Asian, 0.63%; no homozygotes.

Submissions (2):

Labcorp Genetics (formerly Invitae), Labcorp
Classification: Benign. Last evaluated: 2019-12-31. Review status: criteria provided, single submitter. Criteria: Invitae Variant Classification Sherloc (09022015). Collection method: clinical testing. Allele origin: germline.

PreventionGenetics, part of Exact Sciences
Classification: Likely benign for LIMK1-related condition. Last evaluated: 2019-03-27. Review status: no assertion criteria provided. Collection method: clinical testing. Allele origin: germline. Not counted in ClinVar's aggregate classification.
Comment: This variant is classified as likely benign based on ACMG/AMP sequence variant interpretation guidelines (Richards et al. 2015 PMID: 25741868, with internal and published modifications).

NM_002314.4(LIMK1):c.1265G>A (p.Arg422Gln)

Gene: LIMK1 (LIM domain kinase 1; plus strand). Cytogenetic location: 7q11.23.
Variant type: single nucleotide variant.
Coding change: c.1265G>A on transcript NM_002314.4 (MANE Select); coding-DNA position 1265, G replaced by A.
Protein change: p.Arg422Gln; replaces arginine 422 with glutamine.
Molecular consequence: missense variant.
Genome position (GRCh38, 1-based): chr7:74,109,017, G>A. VCF-style: chr7-74109017-G-A. GRCh37 (hg19) VCF-style: chr7-73523347-G-A.
Other names: c.1163G>A, p.Arg388Gln (NM_001204426.2); short protein forms R422Q, R388Q.
Identifiers: ClinVar variation 711707 (VCV000711707.6), dbSNP rs55679316, ClinGen allele CA4293856.